The following is an entry in ClinVar:

ClinVar aggregate classification (germline): Uncertain significance (1 of 4 stars; one submission).

Allele frequency attached by ClinVar (database versions not stated): ExAC 0.00002; 1000 Genomes Project 0.00020; gnomAD 0.00001; TOPMed 0.00001; 1000 Genomes Project 30x 0.00016.
gnomAD v4.1: 18 of 1,613,676 alleles (0.0011%); highest among the groups gnomAD compares: African/African-American, 0.004%; no homozygotes.

Submission:

Labcorp Genetics (formerly Invitae), Labcorp
Classification: Uncertain significance. Last evaluated: 2025-08-18. Review status: criteria provided, single submitter. Criteria: Invitae Variant Classification Sherloc (09022015). Collection method: clinical testing. Allele origin: germline.
Comment: This sequence change replaces arginine, which is basic and polar, with histidine, which is basic and polar, at codon 1103 of the LRP5 protein (p.Arg1103His). This variant is present in population databases (rs566582167, gnomAD 0.007%). This variant has not been reported in the literature in individuals affected with LRP5-related conditions. ClinVar contains an entry for this variant (Variation ID: 2977541). Invitae Evidence Modeling of protein sequence and biophysical properties (such as structural, functional, and spatial information, amino acid conservation, physicochemical variation, residue mobility, and thermodynamic stability) has been performed for this missense variant. However, the output from this modeling did not meet the statistical confidence thresholds required to predict the impact of this variant on LRP5 protein function. In summary, the available evidence is currently insufficient to determine the role of this variant in disease. Therefore, it has been classified as a Variant of Uncertain Significance.

NM_002335.4(LRP5):c.3308G>A (p.Arg1103His)

Gene: LRP5 (LDL receptor related protein 5; plus strand). Cytogenetic location: 11q13.2.
Variant type: single nucleotide variant.
Coding change: c.3308G>A on transcript NM_002335.4 (MANE Select); coding-DNA position 3308, G replaced by A.
Protein change: p.Arg1103His; replaces arginine 1103 with histidine.
Molecular consequence: missense variant.
Genome position (GRCh38, 1-based): chr11:68,425,173, G>A. VCF-style: chr11-68425173-G-A. GRCh37 (hg19) VCF-style: chr11-68192641-G-A.
Other names: c.1565G>A, p.Arg522His (NM_001291902.2); short protein forms R1103H, R522H.
Identifiers: ClinVar variation 2977541 (VCV002977541.3), dbSNP rs566582167, ClinGen allele CA6149944.
Genomic context (GRCh38, chr11:68,425,173, plus strand): 5'-TCACCAACATGCAGGACCGGGCAGCCAAGATCGAACGCGCAGCCCTGGACGGCACCGAGC[G>A]CGAGGTCCTCTTCACCACCGGCCTCATCCGCCCTGTGGCCCTGGTGGTGGACAACACACT-3'
Protein context (NP_002326.2, residues 1093-1113): IERAALDGTE[Arg1103His]EVLFTTGLIR